The following is an entry in ClinVar:

NM_016030.6(TRAPPC12):c.436C>T (p.Arg146Cys)

Gene: TRAPPC12 (trafficking protein particle complex subunit 12; plus strand). Cytogenetic location: 2p25.3.
Variant type: single nucleotide variant.
Coding change: c.436C>T on transcript NM_016030.6 (MANE Select); coding-DNA position 436, C replaced by T.
Protein change: p.Arg146Cys; replaces arginine 146 with cysteine.
Molecular consequence: missense variant.
Genome position (GRCh38, 1-based): chr2:3,388,059, C>T. VCF-style: chr2-3388059-C-T. GRCh37 (hg19) VCF-style: chr2-3391830-C-T.
Other names: c.436C>T, p.Arg146Cys (NM_001321102.2); short protein forms R146C.
Identifiers: ClinVar variation 4767437 (VCV004767437.1).

ClinVar aggregate classification (germline): Uncertain significance (1 of 4 stars; one submission).

Submission:

Labcorp Genetics (formerly Invitae), Labcorp
Classification: Uncertain significance. Last evaluated: 2025-12-04. Review status: criteria provided, single submitter. Criteria: Invitae Variant Classification Sherloc (09022015). Collection method: clinical testing. Allele origin: germline.
Comment: This sequence change replaces arginine, which is basic and polar, with cysteine, which is neutral and slightly polar, at codon 146 of the TRAPPC12 protein (p.Arg146Cys). This variant is not present in population databases (gnomAD no frequency). This variant has not been reported in the literature in individuals affected with TRAPPC12-related conditions. An algorithm developed to predict the effect of missense changes on protein structure and function (PolyPhen-2) suggests that this variant is likely to be tolerated. In summary, the available evidence is currently insufficient to determine the role of this variant in disease. Therefore, it has been classified as a Variant of Uncertain Significance.